The following is an entry in ClinVar:

NM_001365951.3(KIF1B):c.4570A>G (p.Lys1524Glu)

Gene: KIF1B (kinesin family member 1B; plus strand). Cytogenetic location: 1p36.22.
Variant type: single nucleotide variant.
Coding change: c.4570A>G on transcript NM_001365951.3 (MANE Select); coding-DNA position 4570, A replaced by G.
Protein change: p.Lys1524Glu; replaces lysine 1524 with glutamic acid.
Molecular consequence: missense variant.
Genome position (GRCh38, 1-based): chr1:10,365,466, A>G. VCF-style: chr1-10365466-A-G. GRCh37 (hg19) VCF-style: chr1-10425524-A-G.
Other names: p.Lys1478Glu; c.4570A>G, p.Lys1524Glu (NM_001365952.1); c.4432A>G, p.Lys1478Glu (NM_015074.3); short protein forms K1478E, K1524E.
Identifiers: ClinVar variation 1693791 (VCV001693791.5), dbSNP rs2102350303, ClinGen allele CA338321897.
Genomic context (GRCh38, chr1:10,365,466, plus strand): 5'-CAGGTGGAAAAAACCCGCCACTTTTTGCTGCTGCGTGAGAGACTTGGTGACAGCATCCCC[A>G]AATCCCTGAGCGACTCGTTATCCCCCAGCCTCAGCAGTGGGACCCTCAGCACCTCCACCA-3'
Protein context (NP_001352880.1, residues 1514-1534): LRERLGDSIP[Lys1524Glu]SLSDSLSPSL

ClinVar aggregate classification (germline): Uncertain significance. Review status: criteria provided, multiple submitters, no conflicts (2 of 4 stars). 2 submissions from 2 submitters: Uncertain significance (2). Last evaluated 2024-04-24.

Submissions (2):

Ambry Genetics
Classification: Uncertain significance. Last evaluated: 2024-04-24. Review status: criteria provided, single submitter. Criteria: Ambry Variant Classification Scheme 2023. Collection method: clinical testing. Allele origin: germline.
Comment: The p.K1478E variant (also known as c.4432A>G), located in coding exon 40 of the KIF1B gene, results from an A to G substitution at nucleotide position 4432. The lysine at codon 1478 is replaced by glutamic acid, an amino acid with similar properties. This amino acid position is conserved. In addition, this alteration is predicted to be tolerated by in silico analysis. Based on the available evidence, the clinical significance of this variant remains unclear.

Mayo Clinic Laboratories, Mayo Clinic
Classification: Uncertain significance. Last evaluated: 2021-04-19. Review status: criteria provided, single submitter. Criteria: ACMG Guidelines, 2015. Collection method: clinical testing. Allele origin: germline.